The following is an entry in ClinVar:

NM_020366.4(RPGRIP1):c.1468-128T>G

Gene: RPGRIP1 (RPGR interacting protein 1; plus strand). Cytogenetic location: 14q11.2.
Variant type: single nucleotide variant.
Coding change: c.1468-128T>G on transcript NM_020366.4 (MANE Select); 128 bases into the intron before coding-DNA position 1468, T replaced by G.
Molecular consequence: intron variant.
Genome position (GRCh38, 1-based): chr14:21,321,131, T>G. VCF-style: chr14-21321131-T-G. GRCh37 (hg19) VCF-style: chr14-21789290-T-G.
Other names: c.394-128T>G (NM_001377948.1, NM_001377949.1, NM_001377523.1 and 1 more transcripts); c.-105-128T>G (NM_001377951.1); c.1468-128T>G (NM_020366.3).
Identifiers: ClinVar variation 3576489 (VCV003576489.2).
Genomic context (GRCh38, chr14:21,321,131, plus strand): 5'-CACTGCTGCTACTGAACATGAGAACTAGGGGAAAGAGCACTTGTGAAGTCATACAGGTCC[T>G]TGTTTACATTTTGGAGTAGTTTCTGCTGCTGGCATTTTACTACTACCAACAACTGTTTTA-3'

ClinVar aggregate classification (germline): Pathogenic. Review status: criteria provided, multiple submitters, no conflicts (2 of 4 stars). 2 submissions from 2 submitters: Pathogenic (2). Last evaluated 2025-07-18.

Conditions:
RPGRIP1-related disorder. Also called: RPGRIP1-related condition.
Cone-rod dystrophy 13 (CORD13). Identifiers: Orphanet 1872, MedGen C2750720, MONDO:0011987, OMIM 608194.
Leber congenital amaurosis 6 (LCA6). Identifiers: Orphanet 65, MedGen C1854260, MONDO:0013446, OMIM 613826.

gnomAD v4.1: 3 of 913,826 alleles (0.00033%); highest among the groups gnomAD compares: Non-Finnish European, 0.00048%; no homozygotes.

Submissions (2):

PreventionGenetics, part of Exact Sciences
Classification: Pathogenic for RPGRIP1-related condition. Last evaluated: 2025-07-18. Review status: criteria provided, single submitter. Criteria: ACMG Guidelines, 2015. Collection method: clinical testing. Allele origin: germline.
Comment: The RPGRIP1 c.1468-128T>G variant is predicted to interfere with splicing. This variant has been reported in the homozygous and compound heterozygous states in individuals with Leber congenital amaurosis (Perrault et al. 2021. PubMed ID: 33670832; Zeuli et al. 2024. PubMed ID: 38816995). RT-PCR analysis of patient-derived cell lines has shown that this deep intronic variant causes the inclusion of a 118 bp pseudoexon in the spliced transcript (Perrault et al. 2021. PubMed ID: 33670832). This variant is absent in a large population database (gnomAD), indicating this variant is rare. This variant is interpreted as pathogenic.

Fulgent Genetics
Classification: Pathogenic for Cone-rod dystrophy 13; Leber congenital amaurosis 6. Last evaluated: 2024-01-12. Review status: criteria provided, single submitter. Criteria: ACMG Guidelines, 2015. Collection method: clinical testing. Allele origin: germline.